The following is an entry in ClinVar:

ClinVar aggregate classification (germline): Uncertain significance (1 of 4 stars; one submission).

Allele frequency attached by ClinVar (database versions not stated): gnomAD exomes below 0.00001; ExAC 0.00001; gnomAD 0.00003; TOPMed 0.00003; 1000 Genomes Project 30x 0.00016; 1000 Genomes Project 0.00020.
gnomAD v4.1: 9 of 1,611,750 alleles (0.00056%); highest among the groups gnomAD compares: African/African-American, 0.011%; no homozygotes.

Submission:

Labcorp Genetics (formerly Invitae), Labcorp
Classification: Uncertain significance. Last evaluated: 2022-08-19. Review status: criteria provided, single submitter. Criteria: Invitae Variant Classification Sherloc (09022015). Collection method: clinical testing. Allele origin: germline.
Comment: Algorithms developed to predict the effect of sequence changes on RNA splicing suggest that this variant may disrupt the consensus splice site. This sequence change affects codon 378 of the LARS mRNA. It is a 'silent' change, meaning that it does not change the encoded amino acid sequence of the LARS protein. This variant is present in population databases (rs200944018, gnomAD 0.008%). This variant has not been reported in the literature in individuals affected with LARS-related conditions. In summary, the available evidence is currently insufficient to determine the role of this variant in disease. Therefore, it has been classified as a Variant of Uncertain Significance.

NM_020117.11(LARS1):c.1134A>G (p.Leu378=)

Gene: LARS1 (leucyl-tRNA synthetase 1; minus strand). Cytogenetic location: 5q32.
Variant type: single nucleotide variant.
Coding change: c.1134A>G on transcript NM_020117.11 (MANE Select); coding-DNA position 1134, A replaced by G.
Protein change: p.Leu378=; no amino-acid change (leucine 378 retained).
Molecular consequence: synonymous variant.
Genome position (GRCh38, 1-based): chr5:146,153,912, T>C on the plus strand (A>G on the coding strand, the complement: LARS1 is on the minus strand). VCF-style: chr5-146153912-T-C. GRCh37 (hg19) VCF-style: chr5-145533475-T-C.
Other names: c.996A>G, p.Leu332= (NM_001317964.2); c.972A>G, p.Leu324= (NM_001317965.2); c.1053A>G, p.Leu351= (NM_016460.4).
Identifiers: ClinVar variation 1943329 (VCV001943329.5), dbSNP rs200944018, ClinGen allele CA3489737.
Genomic context (GRCh38, chr5:146,153,912, plus strand): 5'-GTGTTTATCAAAATATTTCTAGAAATAAATAAACTCTTTACCTTTATCCTCCTTAATAGT[T>C]AGCATTGGGAGAACATAGATCACCTTGTATGATGTTAAAGGTGCAGAAAGTGATGCACCA-3'
Protein context (NP_064502.9, residues 368-388): SYKVIYVLPM[Leu378=]TIKEDKGTGV